The following is an entry in ClinVar:

NM_001145715.3(KPNA7):c.1264C>T (p.Pro422Ser)

Gene: KPNA7 (karyopherin subunit alpha 7; minus strand). Cytogenetic location: 7q22.1.
Variant type: single nucleotide variant.
Coding change: c.1264C>T on transcript NM_001145715.3 (MANE Select); coding-DNA position 1264, C replaced by T.
Protein change: p.Pro422Ser; replaces proline 422 with serine.
Molecular consequence: missense variant.
Genome position (GRCh38, 1-based): chr7:99,181,936, G>A on the plus strand (C>T on the coding strand, the complement: KPNA7 is on the minus strand). VCF-style: chr7-99181936-G-A. GRCh37 (hg19) VCF-style: chr7-98779559-G-A.
Other names: c.1264C>T (NM_001145715.1); short protein forms P422S.
Identifiers: ClinVar variation 1446992 (VCV001446992.9), dbSNP rs1459965780, ClinGen allele CA368417912.

ClinVar aggregate classification (germline): Uncertain significance. Review status: criteria provided, multiple submitters, no conflicts (2 of 4 stars). 2 submissions from 2 submitters: Uncertain significance (2). Last evaluated 2023-09-29.

Allele frequency attached by ClinVar (database versions not stated): gnomAD exomes 0.00001.

Submissions (2):

Ambry Genetics
Classification: Uncertain significance. Last evaluated: 2023-09-29. Review status: criteria provided, single submitter. Criteria: Ambry Variant Classification Scheme 2023. Collection method: clinical testing. Allele origin: germline.

Labcorp Genetics (formerly Invitae), Labcorp
Classification: Uncertain significance. Last evaluated: 2022-02-02. Review status: criteria provided, single submitter. Criteria: Invitae Variant Classification Sherloc (09022015). Collection method: clinical testing. Allele origin: germline.
Comment: In summary, the available evidence is currently insufficient to determine the role of this variant in disease. Therefore, it has been classified as a Variant of Uncertain Significance. Algorithms developed to predict the effect of missense changes on protein structure and function are either unavailable or do not agree on the potential impact of this missense change (SIFT: "Tolerated"; PolyPhen-2: "Possibly Damaging"; Align-GVGD: "Class C0"). This variant has not been reported in the literature in individuals affected with KPNA7-related conditions. This variant is present in population databases (no rsID available, gnomAD 0.01%). This sequence change replaces proline, which is neutral and non-polar, with serine, which is neutral and polar, at codon 422 of the KPNA7 protein (p.Pro422Ser).